The following is an entry in ClinVar:

ClinVar aggregate classification (germline): Uncertain significance (1 of 4 stars; one submission).

Conditions:
Inborn genetic diseases. Identifiers: MedGen C0950123, MeSH D030342.

Submission:

Ambry Genetics
Classification: Uncertain significance for Inborn genetic diseases. Last evaluated: 2024-10-04. Review status: criteria provided, single submitter. Criteria: Ambry Variant Classification Scheme 2023. Collection method: clinical testing. Allele origin: germline.
Comment: The p.M172V variant (also known as c.514A>G), located in coding exon 4 of the SBDS gene, results from an A to G substitution at nucleotide position 514. The methionine at codon 172 is replaced by valine, an amino acid with highly similar properties. This amino acid position is conserved. In addition, this alteration is predicted to be deleterious by in silico analysis. Based on the available evidence, the clinical significance of this variant remains unclear.

NM_016038.4(SBDS):c.514A>G (p.Met172Val)

Gene: SBDS (SBDS ribosome maturation factor; minus strand). Cytogenetic location: 7q11.21.
Variant type: single nucleotide variant.
Coding change: c.514A>G on transcript NM_016038.4 (MANE Select); coding-DNA position 514, A replaced by G.
Protein change: p.Met172Val; replaces methionine 172 with valine.
Molecular consequence: missense variant.
Genome position (GRCh38, 1-based): chr7:66,991,247, T>C on the plus strand (A>G on the coding strand, the complement: SBDS is on the minus strand). VCF-style: chr7-66991247-T-C. GRCh37 (hg19) VCF-style: chr7-66456234-T-C.
Other names: short protein forms M172V.
Identifiers: ClinVar variation 3437515 (VCV003437515.1).
Genomic context (GRCh38, chr7:66,991,247, plus strand): 5'-GCTTGAGCTTTTCTTTCAGCTTCTTGCCTTCATTGACTGGAAGGATGAACCGAAGCCTCA[T>C]GTGAGCACGTTCTATCTTCATTTTCTCTTTTAACTGCTTTATCACTTCCAAAGCCTACCA-3'
Protein context (NP_057122.2, residues 162-182): KEKMKIERAH[Met172Val]RLRFILPVNE